The following is an entry in ClinVar:

ClinVar aggregate classification (germline): Uncertain significance (1 of 4 stars; one submission).

Allele frequency attached by ClinVar (database versions not stated): gnomAD exomes 0.00001.
gnomAD v4.1: 11 of 1,614,020 alleles (0.00068%); highest among the groups gnomAD compares: Non-Finnish European, 0.00093%; no homozygotes.

Submission:

Labcorp Genetics (formerly Invitae), Labcorp
Classification: Uncertain significance. Last evaluated: 2023-10-05. Review status: criteria provided, single submitter. Criteria: Invitae Variant Classification Sherloc (09022015). Collection method: clinical testing. Allele origin: germline.
Comment: This sequence change replaces proline, which is neutral and non-polar, with serine, which is neutral and polar, at codon 1011 of the ADNP protein (p.Pro1011Ser). This variant is present in population databases (no rsID available, gnomAD 0.0009%). This variant has not been reported in the literature in individuals affected with ADNP-related conditions. An algorithm developed to predict the effect of missense changes on protein structure and function (PolyPhen-2) suggests that this variant is likely to be tolerated. In summary, the available evidence is currently insufficient to determine the role of this variant in disease. Therefore, it has been classified as a Variant of Uncertain Significance.

NM_001282531.3(ADNP):c.3031C>T (p.Pro1011Ser)

Gene: ADNP (activity dependent neuroprotector homeobox; minus strand). Cytogenetic location: 20q13.13.
Variant type: single nucleotide variant.
Coding change: c.3031C>T on transcript NM_001282531.3 (MANE Select); coding-DNA position 3031, C replaced by T.
Protein change: p.Pro1011Ser; replaces proline 1011 with serine.
Molecular consequence: missense variant.
Genome position (GRCh38, 1-based): chr20:50,891,683, G>A on the plus strand (C>T on the coding strand, the complement: ADNP is on the minus strand). VCF-style: chr20-50891683-G-A. GRCh37 (hg19) VCF-style: chr20-49508220-G-A.
Other names: c.3031C>T, p.Pro1011Ser (NM_001282532.2, NM_001347511.2, NM_015339.5 and 1 more transcripts); short protein forms P1011S.
Identifiers: ClinVar variation 2815228 (VCV002815228.3), dbSNP rs1330468086, ClinGen allele CA408967248.
Genomic context (GRCh38, chr20:50,891,683, plus strand): 5'-TATTCTTCCATTTCAACTGCTCTCTGTCACCTTGCATGGTAGCCTTTTTTTTGGCAGCTG[G>A]CTTACTGCTCCTTGCATCTTCGCTTTGGGAAGACTCGTCAGACCAGGTTCCTGGTTTCAT-3'
Protein context (NP_001269460.1, residues 1001-1021): SQSEDARSSK[Pro1011Ser]AAKKKATMQG